The following is an entry in ClinVar:

NC_000017.11:g.18701451T>C

Gene: TRIM16L (tripartite motif containing 16 like; plus strand). Cytogenetic location: 17p11.2.
Variant type: single nucleotide variant.
Genome position: GRCh38 VCF-style: chr17-18701451-T-C. GRCh37 (hg19) VCF-style: chr17-18604764-T-C.
Identifiers: ClinVar variation 2647559 (VCV002647559.24), dbSNP rs535735183, ClinGen allele CA8433787.

ClinVar aggregate classification (germline): Likely benign (1 of 4 stars; one submission).

Allele frequency attached by ClinVar (database versions not stated): 1000 Genomes Project 30x 0.00016; 1000 Genomes Project 0.00020; gnomAD exomes 0.00027; ExAC 0.00031.

Submission:

CeGaT Center for Human Genetics Tuebingen
Classification: Likely benign. Last evaluated: 2023-07-01. Review status: criteria provided, single submitter. Criteria: CeGaT Center For Human Genetics Tuebingen Variant Classification Criteria Version 2. Collection method: clinical testing. Allele origin: germline. Affected: yes. Observed: 1 variant allele.
Comment: TRIM16L: BP4, BS2